The following is an entry in ClinVar:

ClinVar aggregate classification (germline): Uncertain significance (1 of 4 stars; one submission).

Allele frequency attached by ClinVar (database versions not stated): gnomAD exomes below 0.00001.
gnomAD v4.1: 1 of 1,609,906 alleles (0.000062%); highest among the groups gnomAD compares: South Asian, 0.0011%; no homozygotes.

Submission:

Labcorp Genetics (formerly Invitae), Labcorp
Classification: Uncertain significance. Last evaluated: 2021-10-22. Review status: criteria provided, single submitter. Criteria: Invitae Variant Classification Sherloc (09022015). Collection method: clinical testing. Allele origin: germline.
Comment: This variant has not been reported in the literature in individuals affected with FREM1-related conditions. This variant is not present in population databases (ExAC no frequency). This sequence change replaces leucine with phenylalanine at codon 85 of the FREM1 protein (p.Leu85Phe). The leucine residue is moderately conserved and there is a small physicochemical difference between leucine and phenylalanine. Algorithms developed to predict the effect of missense changes on protein structure and function (SIFT, PolyPhen-2, Align-GVGD) all suggest that this variant is likely to be tolerated. In summary, the available evidence is currently insufficient to determine the role of this variant in disease. Therefore, it has been classified as a Variant of Uncertain Significance.

NM_001379081.2(FREM1):c.253C>T (p.Leu85Phe)

Gene: FREM1 (FRAS1 related extracellular matrix 1; minus strand). Cytogenetic location: 9p22.3.
Variant type: single nucleotide variant.
Coding change: c.253C>T on transcript NM_001379081.2 (MANE Select); coding-DNA position 253, C replaced by T.
Protein change: p.Leu85Phe; replaces leucine 85 with phenylalanine.
Molecular consequence: missense variant. On other transcripts: non-coding transcript variant (4).
Genome position (GRCh38, 1-based): chr9:14,863,885, G>A on the plus strand (C>T on the coding strand, the complement: FREM1 is on the minus strand). VCF-style: chr9-14863885-G-A. GRCh37 (hg19) VCF-style: chr9-14863883-G-A.
Other names: c.253C>T, p.Leu85Phe (NM_001370060.1, NM_001370063.1, NM_001370065.1 and 1 more transcripts); short protein forms L85F.
Identifiers: ClinVar variation 1388614 (VCV001388614.6), dbSNP rs868305638, ClinGen allele CA189370245.